The following is an entry in ClinVar:

ClinVar aggregate classification (germline): Uncertain significance (1 of 4 stars; one submission).

Conditions:
Epidermolysis bullosa simplex with nail dystrophy (EBS5D). Identifiers: MedGen C4225309, MONDO:0014661, OMIM 616487.
Epidermolysis bullosa simplex, Ogna type (EBS5A). Also called: EPIDERMOLYSIS BULLOSA SIMPLEX 5A, OGNA TYPE; Pidermolysis bullosa simplex 5A, Ogna type. Identifiers: Orphanet 79401, MedGen C0432317, MONDO:0007555, OMIM 131950.
Autosomal recessive limb-girdle muscular dystrophy type 2Q (LGMDR17). Also called: MUSCULAR DYSTROPHY, LIMB-GIRDLE, AUTOSOMAL RECESSIVE 17. Identifiers: Orphanet 254361, MedGen C3150989, MONDO:0013390, OMIM 613723.
Epidermolysis bullosa simplex 5B, with muscular dystrophy (EBS5B). Also called: EPIDERMOLYSIS BULLOSA SIMPLEX AND LIMB-GIRDLE MUSCULAR DYSTROPHY; Epidermolysis bullosa simplex with muscular dystrophy. Identifiers: Orphanet 257, MedGen C2931072, MONDO:0009181, OMIM 226670.
Epidermolysis bullosa simplex 5C, with pyloric atresia (EBS5C). Also called: PLEC1-Related Epidermolysis Bullosa with Pyloric Atresia; PLEC-Related Epidermolysis Bullosa with Pyloric Atresia; Epidermolysis bullosa simplex with pyloric atresia. Identifiers: Orphanet 158684, MedGen C2677349, MONDO:0012807, OMIM 612138.

Submission:

Labcorp Genetics (formerly Invitae), Labcorp
Classification: Uncertain significance for Autosomal recessive limb-girdle muscular dystrophy type 2Q; Epidermolysis bullosa simplex, Ogna type; Epidermolysis bullosa simplex with nail dystrophy; Epidermolysis bullosa simplex 5C, with pyloric atresia; Epidermolysis bullosa simplex 5B, with muscular dystrophy. Last evaluated: 2024-12-09. Review status: criteria provided, single submitter. Criteria: Invitae Variant Classification Sherloc (09022015). Collection method: clinical testing. Allele origin: germline.
Comment: This sequence change replaces proline, which is neutral and non-polar, with alanine, which is neutral and non-polar, at codon 3180 of the PLEC protein (p.Pro3180Ala). This variant is not present in population databases (gnomAD no frequency). This variant has not been reported in the literature in individuals affected with PLEC-related conditions. An algorithm developed to predict the effect of missense changes on protein structure and function (PolyPhen-2) suggests that this variant is likely to be disruptive. In summary, the available evidence is currently insufficient to determine the role of this variant in disease. Therefore, it has been classified as a Variant of Uncertain Significance.

NM_201384.3(PLEC):c.9457C>G (p.Pro3153Ala)

Gene: PLEC (plectin; minus strand). Cytogenetic location: 8q24.3.
Variant type: single nucleotide variant.
Coding change: c.9457C>G on transcript NM_201384.3 (MANE Select); coding-DNA position 9457, C replaced by G.
Protein change: p.Pro3153Ala; replaces proline 3153 with alanine.
Molecular consequence: missense variant.
Genome position (GRCh38, 1-based): chr8:143,920,364, G>C on the plus strand (C>G on the coding strand, the complement: PLEC is on the minus strand). VCF-style: chr8-143920364-G-C. GRCh37 (hg19) VCF-style: chr8-144994532-G-C.
Other names: c.9868C>G, p.Pro3290Ala (NM_201380.4); c.9361C>G, p.Pro3121Ala (NM_201381.3); c.9457C>G, p.Pro3153Ala (NM_201382.4); c.9469C>G, p.Pro3157Ala (NM_201383.3); c.9538C>G, p.Pro3180Ala (NM_000445.5); c.6157C>G, p.Pro2053Ala (NM_001410941.1); c.9415C>G, p.Pro3139Ala (NM_201378.4); c.9391C>G, p.Pro3131Ala (NM_201379.3); short protein forms P2053A, P3121A, P3131A, P3139A, P3153A, P3157A, P3180A, P3290A.
Identifiers: ClinVar variation 3759731 (VCV003759731.2).